The following is an entry in ClinVar:

NM_000180.4(GUCY2D):c.2377G>A (p.Glu793Lys)

Gene: GUCY2D (guanylate cyclase 2D, retinal; plus strand). Cytogenetic location: 17p13.1.
Variant type: single nucleotide variant.
Coding change: c.2377G>A on transcript NM_000180.4 (MANE Select); coding-DNA position 2377, G replaced by A.
Protein change: p.Glu793Lys; replaces glutamic acid 793 with lysine.
Molecular consequence: missense variant.
Genome position (GRCh38, 1-based): chr17:8,013,993, G>A. VCF-style: chr17-8013993-G-A. GRCh37 (hg19) VCF-style: chr17-7917311-G-A.
Other names: short protein forms E793K.
Identifiers: ClinVar variation 2054017 (VCV002054017.4), dbSNP rs2151803107, ClinGen allele CA397953292.

ClinVar aggregate classification (germline): Uncertain significance (1 of 4 stars; one submission).

Conditions:
Leber congenital amaurosis 1 (LCA1). Also called: RETINAL BLINDNESS, CONGENITAL; AMAUROSIS CONGENITA OF LEBER I; Congenital absence of the rods and cones; Leber's congenital tapetoretinal degeneration; Leber's congenital tapetoretinal dysplasia. Identifiers: Orphanet 65, MedGen C2931258, MONDO:0008764, OMIM 204000.
Cone-rod dystrophy 6 (CORD6). Also called: RETINAL CONE DYSTROPHY 2; Cone dystrophy progressive. Identifiers: Orphanet 1872, MedGen C1866293, MONDO:0011143, OMIM 601777.

Submission:

Labcorp Genetics (formerly Invitae), Labcorp
Classification: Uncertain significance for Leber congenital amaurosis 1; Cone-rod dystrophy 6. Last evaluated: 2021-12-23. Review status: criteria provided, single submitter. Criteria: Invitae Variant Classification Sherloc (09022015). Collection method: clinical testing. Allele origin: germline.
Comment: This sequence change replaces glutamic acid, which is acidic and polar, with lysine, which is basic and polar, at codon 793 of the GUCY2D protein (p.Glu793Lys). This variant is not present in population databases (gnomAD no frequency). This variant has not been reported in the literature in individuals affected with GUCY2D-related conditions. Algorithms developed to predict the effect of missense changes on protein structure and function are either unavailable or do not agree on the potential impact of this missense change (SIFT: "Deleterious"; PolyPhen-2: "Possibly Damaging"; Align-GVGD: "Class C15"). In summary, the available evidence is currently insufficient to determine the role of this variant in disease. Therefore, it has been classified as a Variant of Uncertain Significance.